The following is an entry in ClinVar:

ClinVar aggregate classification (germline): Uncertain significance (1 of 4 stars; one submission).

Conditions:
Inborn genetic diseases. Identifiers: MedGen C0950123, MeSH D030342.

gnomAD v4.1: 2 of 1,613,922 alleles (0.00012%); highest among the groups gnomAD compares: Admixed American, 0.0033%; no homozygotes.

Submission:

Ambry Genetics
Classification: Uncertain significance for Inborn genetic diseases. Last evaluated: 2024-04-20. Review status: criteria provided, single submitter. Criteria: Ambry Variant Classification Scheme 2023. Collection method: clinical testing. Allele origin: germline.
Comment: The p.I456S variant (also known as c.1367T>G), located in coding exon 10 of the BUB1B gene, results from a T to G substitution at nucleotide position 1367. The isoleucine at codon 456 is replaced by serine, an amino acid with dissimilar properties. This amino acid position is conserved. In addition, this alteration is predicted to be tolerated by in silico analysis. Based on the available evidence, the clinical significance of this variant remains unclear.

NM_001211.6(BUB1B):c.1367T>G (p.Ile456Ser)

Gene: BUB1B (BUB1 mitotic checkpoint serine/threonine kinase B; plus strand). Cytogenetic location: 15q15.1.
Variant type: single nucleotide variant.
Coding change: c.1367T>G on transcript NM_001211.6 (MANE Select); coding-DNA position 1367, T replaced by G.
Protein change: p.Ile456Ser; replaces isoleucine 456 with serine.
Molecular consequence: missense variant.
Genome position (GRCh38, 1-based): chr15:40,199,693, T>G. VCF-style: chr15-40199693-T-G. GRCh37 (hg19) VCF-style: chr15-40491894-T-G.
Other names: short protein forms I456S.
Identifiers: ClinVar variation 3262242 (VCV003262242.1).